The following is an entry in ClinVar:

NM_021956.5(GRIK2):c.2686T>C (p.Phe896Leu)

Gene: GRIK2 (glutamate ionotropic receptor kainate type subunit 2; plus strand). Cytogenetic location: 6q16.3.
Variant type: single nucleotide variant.
Coding change: c.2686T>C on transcript NM_021956.5 (MANE Select); coding-DNA position 2686, T replaced by C.
Protein change: p.Phe896Leu; replaces phenylalanine 896 with leucine.
Molecular consequence: missense variant. On other transcripts: 3 prime UTR variant (2).
Genome position (GRCh38, 1-based): chr6:102,068,470, T>C. VCF-style: chr6-102068470-T-C. GRCh37 (hg19) VCF-style: chr6-102516345-T-C.
Other names: c.*139T>C (NM_001166247.1); c.*163T>C (NM_175768.3); short protein forms F896L.
Identifiers: ClinVar variation 4881243 (VCV004881243.2).

ClinVar aggregate classification (germline): Uncertain significance (1 of 4 stars; one submission).

gnomAD v4.1: 1 of 1,611,924 alleles (0.000062%); highest among the groups gnomAD compares: South Asian, 0.0011%; no homozygotes.

Submission:

Dasa
Classification: Uncertain significance. Last evaluated: 2026-01-08. Review status: criteria provided, single submitter. Criteria: DASA Assertion Criteria. Collection method: clinical testing. Allele origin: germline.
Comment: NM_021956.5(GRIK2):c.2686T>C (p.Phe896Leu) is a missense variant that results in the substitution of phenylalanine with leucine. This variant is rare in population databases. The currently available literature and clinical evidence are not sufficient to establish a definitive association between this variant and the reported condition. Therefore, this variant is classified as a variant of uncertain significance.